The following is an entry in ClinVar:

NM_017617.5(NOTCH1):c.3230C>T (p.Thr1077Ile)

Gene: NOTCH1 (notch receptor 1; minus strand). Cytogenetic location: 9q34.3.
Variant type: single nucleotide variant.
Coding change: c.3230C>T on transcript NM_017617.5 (MANE Select); coding-DNA position 3230, C replaced by T.
Protein change: p.Thr1077Ile; replaces threonine 1077 with isoleucine.
Molecular consequence: missense variant.
Genome position (GRCh38, 1-based): chr9:136,508,327, G>A on the plus strand (C>T on the coding strand, the complement: NOTCH1 is on the minus strand). VCF-style: chr9-136508327-G-A. GRCh37 (hg19) VCF-style: chr9-139402779-G-A.
Other names: short protein forms T1077I.
Identifiers: ClinVar variation 1020628 (VCV001020628.8), dbSNP rs1843122920, ClinGen allele CA375552236.

ClinVar aggregate classification (germline): Uncertain significance (1 of 4 stars; one submission).

Conditions:
Adams-Oliver syndrome 5 (AOS5). Identifiers: Orphanet 974, MedGen C4014970, MONDO:0014459, OMIM 616028.

Submission:

Labcorp Genetics (formerly Invitae), Labcorp
Classification: Uncertain significance for Adams-Oliver syndrome 5. Last evaluated: 2020-04-24. Review status: criteria provided, single submitter. Criteria: Invitae Variant Classification Sherloc (09022015). Collection method: clinical testing. Allele origin: germline.
Comment: In summary, the available evidence is currently insufficient to determine the role of this variant in disease. Therefore, it has been classified as a Variant of Uncertain Significance. Algorithms developed to predict the effect of missense changes on protein structure and function are either unavailable or do not agree on the potential impact of this missense change (SIFT: "Deleterious"; PolyPhen-2: "Benign"; Align-GVGD: "Class C0"). This variant has not been reported in the literature in individuals with NOTCH1-related conditions. This variant is not present in population databases (ExAC no frequency). This sequence change replaces threonine with isoleucine at codon 1077 of the NOTCH1 protein (p.Thr1077Ile). The threonine residue is moderately conserved and there is a moderate physicochemical difference between threonine and isoleucine.